The following is an entry in ClinVar:

ClinVar aggregate classification (germline): Uncertain significance. Review status: criteria provided, multiple submitters, no conflicts (2 of 4 stars). 3 submissions from 3 submitters: Uncertain significance (3). Last evaluated 2024-12-30.

Conditions:
X-linked severe congenital neutropenia (SCNX). Identifiers: Orphanet 86788, MedGen C1845987, MONDO:0010294, OMIM 300299.
Thrombocytopenia 1. Also called: X-Linked Thrombocytopenia (XLT); THROMBOCYTOPENIA, X-LINKED, 1; X-linked thrombocytopenia with normal platelets. Identifiers: Orphanet 268322, Orphanet 852, MedGen C1839163, MONDO:0010743, OMIM 313900.
Wiskott-Aldrich syndrome (WAS). Also called: WISKOTT-ALDRICH SYNDROME 1; ALDRICH SYNDROME; IMMUNODEFICIENCY 2; Wiskott-aldrich syndrome, somatic. Identifiers: Orphanet 906, MedGen C0043194, MONDO:0010518, OMIM 301000.

Allele frequency attached by ClinVar (database versions not stated): gnomAD 0.00002; TOPMed 0.00002; gnomAD exomes 0.00003.
gnomAD v4.1: 30 of 1,185,521 alleles (0.0025%); highest among the groups gnomAD compares: Non-Finnish European, 0.0034%; no homozygotes.

Submissions (3):

Labcorp Genetics (formerly Invitae), Labcorp
Classification: Uncertain significance for Wiskott-Aldrich syndrome; X-linked severe congenital neutropenia; Thrombocytopenia 1. Last evaluated: 2024-12-30. Review status: criteria provided, single submitter. Criteria: Invitae Variant Classification Sherloc (09022015). Collection method: clinical testing. Allele origin: germline.
Comment: This sequence change replaces glutamine, which is neutral and polar, with histidine, which is basic and polar, at codon 325 of the WAS protein (p.Gln325His). This variant is present in population databases (no rsID available, gnomAD 0.001%). This variant has not been reported in the literature in individuals affected with WAS-related conditions. ClinVar contains an entry for this variant (Variation ID: 1335766). Invitae Evidence Modeling of protein sequence and biophysical properties (such as structural, functional, and spatial information, amino acid conservation, physicochemical variation, residue mobility, and thermodynamic stability) indicates that this missense variant is not expected to disrupt WAS protein function with a negative predictive value of 80%. In summary, the available evidence is currently insufficient to determine the role of this variant in disease. Therefore, it has been classified as a Variant of Uncertain Significance.

Fulgent Genetics
Classification: Uncertain significance for X-linked severe congenital neutropenia; Wiskott-Aldrich syndrome; Thrombocytopenia 1. Last evaluated: 2022-02-17. Review status: criteria provided, single submitter. Criteria: ACMG Guidelines, 2015. Collection method: clinical testing. Allele origin: unknown.

CeGaT Center for Human Genetics Tuebingen
Classification: Uncertain significance. Last evaluated: 2021-12-01. Review status: criteria provided, single submitter. Criteria: CeGaT Center For Human Genetics Tuebingen Variant Classification Criteria Version 2. Collection method: clinical testing. Allele origin: germline. Affected: yes. Observed: 1 variant allele.

NM_000377.3(WAS):c.975G>C (p.Gln325His)

Gene: WAS (WASP actin nucleation promoting factor; plus strand). Cytogenetic location: Xp11.23.
Variant type: single nucleotide variant.
Coding change: c.975G>C on transcript NM_000377.3 (MANE Select); coding-DNA position 975, G replaced by C.
Protein change: p.Gln325His; replaces glutamine 325 with histidine.
Molecular consequence: missense variant.
Genome position (GRCh38, 1-based): chrX:48,688,703, G>C. VCF-style: chrX-48688703-G-C. GRCh37 (hg19) VCF-style: chrX-48547092-G-C.
Other names: short protein forms Q325H.
Identifiers: ClinVar variation 1335766 (VCV001335766.40), dbSNP rs930931192, ClinGen allele CA16622100.